The following is an entry in ClinVar:

ClinVar aggregate classification (germline): Likely benign. Review status: criteria provided, multiple submitters, no conflicts (2 of 4 stars). 5 submissions from 5 submitters: Likely benign (5). Last evaluated 2026-01-12.

Conditions:
RNASEH1-related disorder. Also called: RNASEH1-related condition.

Allele frequency attached by ClinVar (database versions not stated): gnomAD 0.00041 and 0.00043; TOPMed 0.00045; gnomAD exomes 0.00049 and 0.00075; ExAC 0.00066; ESP Exome Variant Server 0.00069; 1000 Genomes Project 30x 0.00078; 1000 Genomes Project 0.00080.
gnomAD v4.1: 1,150 of 1,613,714 alleles (0.071%); highest among the groups gnomAD compares: Non-Finnish European, 0.093%; no homozygotes.

Submissions (5):

Labcorp Genetics (formerly Invitae), Labcorp
Classification: Likely benign. Last evaluated: 2026-01-12. Review status: criteria provided, single submitter. Criteria: Invitae Variant Classification Sherloc (09022015). Collection method: clinical testing. Allele origin: germline.

PreventionGenetics, part of Exact Sciences
Classification: Likely benign for RNASEH1-related condition. Last evaluated: 2025-08-31. Review status: criteria provided, single submitter. Criteria: ACMG Guidelines, 2015. Collection method: clinical testing. Allele origin: germline.
Comment: This variant is classified as likely benign based on ACMG/AMP sequence variant interpretation guidelines (Richards et al. 2015 PMID: 25741868, with internal and published modifications).

Mayo Clinic Laboratories, Mayo Clinic
Classification: Likely benign. Last evaluated: 2025-08-23. Review status: criteria provided, single submitter. Criteria: ACMG Guidelines, 2015. Collection method: clinical testing. Allele origin: germline. Observed: 5 variant alleles.
Comment: BP4, BP7

GeneDx
Classification: Likely benign. Last evaluated: 2020-07-29. Review status: criteria provided, single submitter. Criteria: GeneDx Variant Classification Process June 2021. Collection method: clinical testing. Allele origin: germline. Affected: yes.

Breakthrough Genomics
Classification: Likely benign. Review status: criteria provided, single submitter. Criteria: ACMG Guidelines, 2015. Collection method: not provided. Allele origin: germline. Inheritance: Autosomal recessive inheritance. Affected: yes.

NM_002936.6(RNASEH1):c.720C>T (p.Asn240=)

Gene: RNASEH1 (ribonuclease H1; minus strand). Cytogenetic location: 2p25.3.
Variant type: single nucleotide variant.
Coding change: c.720C>T on transcript NM_002936.6 (MANE Select); coding-DNA position 720, C replaced by T.
Protein change: p.Asn240=; no amino-acid change (asparagine 240 retained).
Molecular consequence: synonymous variant. On other transcripts: non-coding transcript variant (7).
Genome position (GRCh38, 1-based): chr2:3,547,985, G>A on the plus strand (C>T on the coding strand, the complement: RNASEH1 is on the minus strand). VCF-style: chr2-3547985-G-A. GRCh37 (hg19) VCF-style: chr2-3595575-G-A.
Other names: p.Asn240=; c.642C>T, p.Asn214= (NM_001286834.3); c.369C>T, p.Asn123= (NM_001286837.3); c.720C>T, p.Asn240= (NM_001378271.1); c.717C>T, p.Asn239= (NM_001378272.1); c.705C>T, p.Asn235= (NM_001378273.1); c.720C>T (NM_002936.5).
Identifiers: ClinVar variation 759869 (VCV000759869.14), dbSNP rs140187158, ClinGen allele CA1516147.